The following is an entry in ClinVar:

NM_000038.6(APC):c.5568T>C (p.Phe1856=)

Gene: APC (APC regulator of Wnt signaling pathway; plus strand). Cytogenetic location: 5q22.2.
Variant type: single nucleotide variant.
Coding change: c.5568T>C on transcript NM_000038.6 (MANE Select); coding-DNA position 5568, T replaced by C.
Protein change: p.Phe1856=; no amino-acid change (phenylalanine 1856 retained).
Molecular consequence: synonymous variant.
Genome position (GRCh38, 1-based): chr5:112,841,162, T>C. VCF-style: chr5-112841162-T-C. GRCh37 (hg19) VCF-style: chr5-112176859-T-C.
Other names: c.5568T>C, p.Phe1856= (NM_001127510.3, NM_001354895.2); c.5514T>C, p.Phe1838= (NM_001127511.3); c.5622T>C, p.Phe1874= (NM_001354896.2); c.5598T>C, p.Phe1866= (NM_001354897.2); c.5493T>C, p.Phe1831= (NM_001354898.2); c.5484T>C, p.Phe1828= (NM_001354899.2); c.5445T>C, p.Phe1815= (NM_001354900.2); c.5391T>C, p.Phe1797= (NM_001354901.2); and 5 more.
Identifiers: ClinVar variation 825832 (VCV000825832.7), dbSNP rs1580661426, ClinGen allele CA446208939.

ClinVar aggregate classification (germline): Benign/Likely benign. Review status: criteria provided, multiple submitters, no conflicts (2 of 4 stars). 3 submissions from 3 submitters: Benign (1); Likely benign (2). Last evaluated 2025-01-01.

Conditions:
Hereditary cancer-predisposing syndrome. Also called: Neoplastic Syndromes, Hereditary; Tumor predisposition; Hereditary neoplastic syndrome; Hereditary Cancer Syndrome. Identifiers: Orphanet 140162, MedGen C0027672, MeSH D009386, MONDO:0015356.
Familial adenomatous polyposis 1 (FAP1). Also called: POLYPOSIS, ADENOMATOUS INTESTINAL; FAMILIAL ADENOMATOUS POLYPOSIS 1, ATTENUATED. Identifiers: MedGen C2713442, MONDO:0021056, OMIM 175100. Disease mechanism: loss of function.

Allele frequency attached by ClinVar (database versions not stated): gnomAD exomes below 0.00001.
gnomAD v4.1: 2 of 1,613,974 alleles (0.00012%); highest among the groups gnomAD compares: South Asian, 0.0022%; no homozygotes.

Submissions (3):

Labcorp Genetics (formerly Invitae), Labcorp
Classification: Likely benign for Familial adenomatous polyposis 1. Last evaluated: 2025-01-01. Review status: criteria provided, single submitter. Criteria: Invitae Variant Classification Sherloc (09022015). Collection method: clinical testing. Allele origin: germline.

Myriad Genetics, Inc.
Classification: Benign for Familial adenomatous polyposis 1. Last evaluated: 2024-04-02. Review status: criteria provided, single submitter. Criteria: Myriad Autosomal Dominant, Autosomal Recessive and X-Linked Classification Criteria (2023). Collection method: clinical testing. Allele origin: unknown.
Comment: This variant is considered benign. This variant is a silent/synonymous amino acid change and it is not expected to impact splicing.

Ambry Genetics
Classification: Likely benign for Hereditary cancer-predisposing syndrome. Last evaluated: 2018-03-15. Review status: criteria provided, single submitter. Criteria: Ambry Variant Classification Scheme 2023. Collection method: clinical testing. Allele origin: germline.